The following is an entry in ClinVar:

NM_000525.4(KCNJ11):c.811G>A (p.Ala271Thr)

Gene: KCNJ11 (potassium inwardly rectifying channel subfamily J member 11; minus strand). Cytogenetic location: 11p15.1.
Variant type: single nucleotide variant.
Coding change: c.811G>A on transcript NM_000525.4 (MANE Select); coding-DNA position 811, G replaced by A.
Protein change: p.Ala271Thr; replaces alanine 271 with threonine.
Molecular consequence: missense variant.
Genome position (GRCh38, 1-based): chr11:17,387,281, C>T on the plus strand (G>A on the coding strand, the complement: KCNJ11 is on the minus strand). VCF-style: chr11-17387281-C-T. GRCh37 (hg19) VCF-style: chr11-17408828-C-T.
Other names: c.550G>A, p.Ala184Thr (NM_001166290.2, NM_001377296.1, NM_001377297.1); short protein forms A184T, A271T.
Identifiers: ClinVar variation 2179313 (VCV002179313.1), dbSNP rs2496408994, ClinGen allele CA379770546.
Genomic context (GRCh38, chr11:17,387,281, plus strand): 5'-CCACGCCTTCCAGGATGACGATGATCTCGAGGTCCTGGTGGTGGTGCAGGTCGCTGGGTG[C>T]CAGGTCGTAGAGTGGGCTGTTGGCATCAATGACATGGTAGATGATCAGCGGGGCCACCAG-3'
Protein context (NP_000516.3, residues 261-281): IDANSPLYDL[Ala271Thr]PSDLHHHQDL

ClinVar aggregate classification (germline): Uncertain significance (1 of 4 stars; one submission).

Allele frequency attached by ClinVar (database versions not stated): gnomAD exomes below 0.00001.

Submission:

Labcorp Genetics (formerly Invitae), Labcorp
Classification: Uncertain significance. Last evaluated: 2022-02-06. Review status: criteria provided, single submitter. Criteria: Invitae Variant Classification Sherloc (09022015). Collection method: clinical testing. Allele origin: germline.
Comment: This sequence change replaces alanine, which is neutral and non-polar, with threonine, which is neutral and polar, at codon 271 of the KCNJ11 protein (p.Ala271Thr). This variant is not present in population databases (gnomAD no frequency). This variant has not been reported in the literature in individuals affected with KCNJ11-related conditions. Algorithms developed to predict the effect of missense changes on protein structure and function are either unavailable or do not agree on the potential impact of this missense change (SIFT: "Deleterious"; PolyPhen-2: "Benign"; Align-GVGD: "Class C0"). In summary, the available evidence is currently insufficient to determine the role of this variant in disease. Therefore, it has been classified as a Variant of Uncertain Significance.